The following is an entry in ClinVar:

NM_173551.5(ANKS6):c.994C>G (p.Leu332Val)

Gene: ANKS6 (ankyrin repeat and sterile alpha motif domain containing 6; minus strand). Cytogenetic location: 9q22.33.
Variant type: single nucleotide variant.
Coding change: c.994C>G on transcript NM_173551.5 (MANE Select); coding-DNA position 994, C replaced by G.
Protein change: p.Leu332Val; replaces leucine 332 with valine.
Molecular consequence: missense variant.
Genome position (GRCh38, 1-based): chr9:98,784,071, G>C on the plus strand (C>G on the coding strand, the complement: ANKS6 is on the minus strand). VCF-style: chr9-98784071-G-C. GRCh37 (hg19) VCF-style: chr9-101546353-G-C.
Other names: c.994C>G (NM_173551.3); short protein forms L332V.
Identifiers: ClinVar variation 2096612 (VCV002096612.5), dbSNP rs1398457700, ClinGen allele CA374217182.

ClinVar aggregate classification (germline): Uncertain significance. Review status: criteria provided, multiple submitters, no conflicts (2 of 4 stars). 2 submissions from 2 submitters: Uncertain significance (2). Last evaluated 2025-01-03.

Conditions:
Inborn genetic diseases. Identifiers: MedGen C0950123, MeSH D030342.
Nephronophthisis 16 (NPHP16). Identifiers: Orphanet 655, MedGen C3809320, MONDO:0014158, OMIM 615382.

Allele frequency attached by ClinVar (database versions not stated): TOPMed below 0.00001; gnomAD 0.00001.
gnomAD v4.1: 6 of 1,609,936 alleles (0.00037%); highest among the groups gnomAD compares: Admixed American, 0.0034%; no homozygotes.

Submissions (2):

Ambry Genetics
Classification: Uncertain significance for Inborn genetic diseases. Last evaluated: 2025-01-03. Review status: criteria provided, single submitter. Criteria: Ambry Variant Classification Scheme 2023. Collection method: clinical testing. Allele origin: germline.

Labcorp Genetics (formerly Invitae), Labcorp
Classification: Uncertain significance for Nephronophthisis 16. Last evaluated: 2022-03-13. Review status: criteria provided, single submitter. Criteria: Invitae Variant Classification Sherloc (09022015). Collection method: clinical testing. Allele origin: germline.
Comment: In summary, the available evidence is currently insufficient to determine the role of this variant in disease. Therefore, it has been classified as a Variant of Uncertain Significance. Algorithms developed to predict the effect of missense changes on protein structure and function (SIFT, PolyPhen-2, Align-GVGD) all suggest that this variant is likely to be tolerated. This variant has not been reported in the literature in individuals affected with ANKS6-related conditions. This variant is present in population databases (no rsID available, gnomAD 0.003%). This sequence change replaces leucine, which is neutral and non-polar, with valine, which is neutral and non-polar, at codon 332 of the ANKS6 protein (p.Leu332Val).